The following is an entry in ClinVar:

ClinVar aggregate classification (germline): Benign (1 of 4 stars; one submission).

Conditions:
Familial adenomatous polyposis 1 (FAP1). Also called: POLYPOSIS, ADENOMATOUS INTESTINAL; FAMILIAL ADENOMATOUS POLYPOSIS 1, ATTENUATED. Identifiers: MedGen C2713442, MONDO:0021056, OMIM 175100. Disease mechanism: loss of function.

Submission:

Myriad Genetics, Inc.
Classification: Benign for Familial adenomatous polyposis 1. Last evaluated: 2024-04-10. Review status: criteria provided, single submitter. Criteria: Myriad Autosomal Dominant, Autosomal Recessive and X-Linked Classification Criteria (2023). Collection method: clinical testing. Allele origin: unknown.
Comment: This variant is considered benign. This variant is a silent/synonymous amino acid change and it is not expected to impact splicing.

NM_000038.6(APC):c.7770A>G (p.Lys2590=)

Gene: APC (APC regulator of Wnt signaling pathway; plus strand). Cytogenetic location: 5q22.2.
Variant type: single nucleotide variant.
Coding change: c.7770A>G on transcript NM_000038.6 (MANE Select); coding-DNA position 7770, A replaced by G.
Protein change: p.Lys2590=; no amino-acid change (lysine 2590 retained).
Molecular consequence: synonymous variant. On other transcripts: non-coding transcript variant (2).
Genome position (GRCh38, 1-based): chr5:112,843,364, A>G. VCF-style: chr5-112843364-A-G. GRCh37 (hg19) VCF-style: chr5-112179061-A-G.
Other names: c.7770A>G, p.Lys2590= (NM_001127510.3, NM_001354895.2, NM_001407450.1); c.7716A>G, p.Lys2572= (NM_001127511.3); c.7824A>G, p.Lys2608= (NM_001354896.2, NM_001407447.1, NM_001407448.1 and 1 more transcripts); c.7800A>G, p.Lys2600= (NM_001354897.2); c.7695A>G, p.Lys2565= (NM_001354898.2); c.7686A>G, p.Lys2562= (NM_001354899.2); c.7647A>G, p.Lys2549= (NM_001354900.2); c.7593A>G, p.Lys2531= (NM_001354901.2, NM_001407453.1); and 11 more.
Identifiers: ClinVar variation 3253851 (VCV003253851.1), dbSNP rs1766563090.
Genomic context (GRCh38, chr5:112,843,364, plus strand): 5'-ATCTTCAATTCTTTCTGCTTCATCAGAATCCAGTGAAAAAGCAAAAAGTGAGGATGAAAA[A>G]CATGTGAACTCTATTTCAGGAACCAAACAAAGTAAAGAAAACCAAGTATCCGCAAAAGGA-3'
Protein context (NP_000029.2, residues 2580-2600): SSEKAKSEDE[Lys2590=]HVNSISGTKQ